The following is an entry in ClinVar:

ClinVar aggregate classification (germline): Benign. Review status: criteria provided, multiple submitters, no conflicts (2 of 4 stars). 5 submissions from 5 submitters: Benign (5). Last evaluated 2026-02-04.

Conditions:
LTBP4-related disorder. Also called: LTBP4-related condition.

Allele frequency attached by ClinVar (database versions not stated): TOPMed 0.03298; gnomAD exomes 0.03900 and 0.05229; ExAC 0.04200; gnomAD 0.03365 and 0.03402; ESP Exome Variant Server 0.04008; 1000 Genomes Project 30x 0.01843; 1000 Genomes Project 0.01797.

Submissions (5):

Labcorp Genetics (formerly Invitae), Labcorp
Classification: Benign. Last evaluated: 2026-02-04. Review status: criteria provided, single submitter. Criteria: Invitae Variant Classification Sherloc (09022015). Collection method: clinical testing. Allele origin: germline.

PreventionGenetics, part of Exact Sciences
Classification: Benign for LTBP4-related condition. Last evaluated: 2019-04-10. Review status: criteria provided, single submitter. Criteria: ACMG Guidelines, 2015. Collection method: clinical testing. Allele origin: germline.
Comment: This variant is classified as benign based on ACMG/AMP sequence variant interpretation guidelines (Richards et al. 2015 PMID: 25741868, with internal and published modifications).

GeneDx
Classification: Benign. Last evaluated: 2016-10-03. Review status: criteria provided, single submitter. Criteria: GeneDx Variant Classification (06012015). Collection method: clinical testing. Allele origin: germline. Affected: yes.
Comment: This variant is considered likely benign or benign based on one or more of the following criteria: it is a conservative change, it occurs at a poorly conserved position in the protein, it is predicted to be benign by multiple in silico algorithms, and/or has population frequency not consistent with disease.

Laboratory for Molecular Medicine, Mass General Brigham Personalized Medicine
Classification: Benign. Last evaluated: 2013-02-21. Review status: criteria provided, single submitter. Criteria: LMM Criteria. Collection method: clinical testing. Allele origin: germline. Observed: 3 variant alleles.
Comment: Val1176Val in exon 26 of LTBP4: This variant is not expected to have clinical si gnificance because it does not alter an amino acid residue and is not located wi thin the splice consensus sequence. It has been identified in 5.4% (442/8252) of European American chromosomes from a broad population by the NHLBI Exome Sequen cing Project (dbSNP rs35079932).

Breakthrough Genomics
Classification: Benign. Review status: criteria provided, single submitter. Criteria: ACMG Guidelines, 2015. Collection method: not provided. Allele origin: germline. Inheritance: Autosomal recessive inheritance. Affected: yes.

NM_001042545.2(LTBP4):c.3327G>A (p.Val1109=)

Gene: LTBP4 (latent transforming growth factor beta binding protein 4; plus strand). Cytogenetic location: 19q13.2.
Variant type: single nucleotide variant.
Coding change: c.3327G>A on transcript NM_001042545.2 (MANE Select); coding-DNA position 3327, G replaced by A.
Protein change: p.Val1109=; no amino-acid change (valine 1109 retained).
Molecular consequence: synonymous variant.
Genome position (GRCh38, 1-based): chr19:40,622,510, G>A. VCF-style: chr19-40622510-G-A. GRCh37 (hg19) VCF-style: chr19-41128415-G-A.
Other names: c.3528G>A, p.Val1176= (NM_001042544.1); c.3417G>A, p.Val1139= (NM_003573.2).
Identifiers: ClinVar variation 226722 (VCV000226722.15), dbSNP rs35079932, ClinGen allele CA9448979.